The following is an entry in ClinVar:

ClinVar aggregate classification (germline): Benign. Review status: criteria provided, multiple submitters, no conflicts (2 of 4 stars). 5 submissions from 5 submitters: Benign (5). Last evaluated 2026-09-01.

Allele frequency attached by ClinVar (database versions not stated): gnomAD exomes 0.00025 and 0.00066; ExAC 0.00087; ESP Exome Variant Server 0.00192; gnomAD 0.00256 and 0.00275; TOPMed 0.00269; 1000 Genomes Project 0.00280; 1000 Genomes Project 30x 0.00297.
gnomAD v4.1: 761 of 1,607,686 alleles (0.047%); highest among the groups gnomAD compares: African/African-American, 0.9%; 4 homozygotes.

Submissions (5):

CeGaT Center for Human Genetics Tuebingen
Classification: Benign. Last evaluated: 2026-09-01. Review status: criteria provided, single submitter. Criteria: CeGaT Center For Human Genetics Tuebingen Variant Classification Criteria Version 2. Collection method: clinical testing. Allele origin: germline. Affected: yes. Observed: 1 variant allele.
Comment: CLPP: BP4, BS1, BS2

Labcorp Genetics (formerly Invitae), Labcorp
Classification: Benign. Last evaluated: 2025-12-18. Review status: criteria provided, single submitter. Criteria: Invitae Variant Classification Sherloc (09022015). Collection method: clinical testing. Allele origin: germline.

GeneDx
Classification: Benign. Last evaluated: 2019-09-12. Review status: criteria provided, single submitter. Criteria: GeneDx Variant Classification Process June 2021. Collection method: clinical testing. Allele origin: germline. Affected: yes.

Eurofins Ntd Llc (ga)
Classification: Benign. Last evaluated: 2017-07-20. Review status: criteria provided, single submitter. Criteria: EGL Classification Definitions 2015. Collection method: clinical testing. Allele origin: germline. Observed: 1 variant allele, 1 heterozygote.

Laboratory for Molecular Medicine, Mass General Brigham Personalized Medicine
Classification: Benign. Last evaluated: 2014-11-24. Review status: criteria provided, single submitter. Criteria: LMM Criteria. Collection method: clinical testing. Allele origin: germline. Observed: 3 variant alleles.
Comment: 555+3G>A in intron 4 of CLPP: This variant is not expected to have clinical sign ificance because it has been identified in 0.6% (25/4406) of African American ch romosomes from a broad population by the NHLBI Exome Sequencing Project (dbSNP rs200101759).

NM_006012.4(CLPP):c.555+3G>A

Gene: CLPP (caseinolytic mitochondrial matrix peptidase proteolytic subunit; plus strand). Cytogenetic location: 19p13.3.
Variant type: single nucleotide variant.
Coding change: c.555+3G>A on transcript NM_006012.4 (MANE Select); 3 bases into the intron after coding-DNA position 555, G replaced by A.
Molecular consequence: intron variant.
Genome position (GRCh38, 1-based): chr19:6,364,642, G>A. VCF-style: chr19-6364642-G-A. GRCh37 (hg19) VCF-style: chr19-6364653-G-A.
Identifiers: ClinVar variation 226521 (VCV000226521.19), dbSNP rs200101759, ClinGen allele CA9122942.